The following is an entry in ClinVar:

NM_014717.3(ZNF536):c.3186C>T (p.Asp1062=)

Gene: ZNF536 (zinc finger protein 536; plus strand). Cytogenetic location: 19q12.
Variant type: single nucleotide variant.
Coding change: c.3186C>T on transcript NM_014717.3 (MANE Select); coding-DNA position 3186, C replaced by T.
Protein change: p.Asp1062=; no amino-acid change (aspartic acid 1062 retained).
Molecular consequence: synonymous variant.
Genome position (GRCh38, 1-based): chr19:30,548,805, C>T. VCF-style: chr19-30548805-C-T. GRCh37 (hg19) VCF-style: chr19-31039712-C-T.
Other names: c.3186C>T, p.Asp1062= (NM_001352260.2, NM_001376110.1, NM_001376111.1).
Identifiers: ClinVar variation 3025889 (VCV003025889.22), dbSNP rs770903154, ClinGen allele CA9353719.

ClinVar aggregate classification (germline): Likely benign (1 of 4 stars; one submission).

Allele frequency attached by ClinVar (database versions not stated): ExAC 0.00005; TOPMed 0.00007; gnomAD 0.00008; gnomAD exomes 0.00017.
gnomAD v4.1: 261 of 1,613,868 alleles (0.016%); highest among the groups gnomAD compares: Non-Finnish European, 0.021%; no homozygotes.

Submission:

CeGaT Center for Human Genetics Tuebingen
Classification: Likely benign. Last evaluated: 2024-02-01. Review status: criteria provided, single submitter. Criteria: CeGaT Center For Human Genetics Tuebingen Variant Classification Criteria Version 2. Collection method: clinical testing. Allele origin: germline. Affected: yes. Observed: 1 variant allele.
Comment: ZNF536: BP4, BP7